The following is an entry in ClinVar:

ClinVar aggregate classification (germline): Pathogenic. Review status: criteria provided, multiple submitters, no conflicts (2 of 4 stars). 4 submissions from 4 submitters: Pathogenic (3). 1 of the submissions does not count toward it. Last evaluated 2024-12-07.

Conditions:
Early-infantile DEE. Also called: Early infantile epileptic encephalopathy; Ohtahara syndrome; Early infantile epileptic encephalopathy with suppression bursts. Identifiers: Orphanet 1934, MedGen C0393706, MONDO:0800491.
Developmental and epileptic encephalopathy, 7 (DEE7). Also called: KCNQ2-Related Neonatal-Onset Developmental and Epileptic Encephalopathy (NEO-DEE); KCNQ2-Related Neonatal Epileptic Encephalopathy; Early infantile epileptic encephalopathy 7. Identifiers: Orphanet 439218, MedGen C3150986, MONDO:0013387, OMIM 613720.

Submissions (4):

Labcorp Genetics (formerly Invitae), Labcorp
Classification: Pathogenic for Early-infantile DEE. Last evaluated: 2024-12-07. Review status: criteria provided, single submitter. Criteria: Invitae Variant Classification Sherloc (09022015). Collection method: clinical testing. Allele origin: germline.
Comment: This sequence change replaces proline, which is neutral and non-polar, with leucine, which is neutral and non-polar, at codon 561 of the KCNQ2 protein (p.Pro561Leu). This variant is not present in population databases (gnomAD no frequency). This missense change has been observed in individual(s) with Ohtahara syndrome (PMID: 23621294). In at least one individual the variant was observed to be de novo. ClinVar contains an entry for this variant (Variation ID: 205916). Invitae Evidence Modeling of protein sequence and biophysical properties (such as structural, functional, and spatial information, amino acid conservation, physicochemical variation, residue mobility, and thermodynamic stability) indicates that this missense variant is expected to disrupt KCNQ2 protein function with a positive predictive value of 95%. For these reasons, this variant has been classified as Pathogenic.

3billion
Classification: Pathogenic for Developmental and epileptic encephalopathy, 7. Last evaluated: 2024-06-18. Review status: criteria provided, single submitter. Criteria: ACMG Guidelines, 2015. Collection method: clinical testing. Allele origin: germline. Affected: yes.
Comment: The variant is not observed in the gnomAD v4.0.0 dataset. Predicted Consequence/Location: Missense variant In silico tool predictions suggest damaging effect of the variant on gene or gene product [REVEL: 0.94 (>=0.6, sensitivity 0.68 and specificity 0.92); 3Cnet: 0.97 (>=0.6, sensitivity 0.72 and precision 0.9)]. The same nucleotide change resulting in the same amino acid change has been previously reported as pathogenic/likely pathogenic with strong evidence (ClinVar ID: VCV000205916 /PMID: 23621294). The variant has been previously reported as de novo in a similarly affected individual (N/A). Different missense changes at the same codon (p.Pro561Arg, p.Pro561Ser) have been reported to be associated with KCNQ2 related disorder (ClinVar ID: VCV001301899 /PMID: 26993267, 31175295). Therefore, this variant is classified as Pathogenic according to the recommendation of ACMG/AMP guideline.

GeneDx
Classification: Pathogenic. Last evaluated: 2018-12-18. Review status: criteria provided, single submitter. Criteria: GeneDx Variant Classification (06012015). Collection method: clinical testing. Allele origin: germline. Affected: yes.
Comment: p.Pro561Leu (CCC>CTC): c.1682 C>T in exon 15 in the KCNQ2 gene (NM_172107.2). The P561L mutation in the KCNQ2 gene has been reported previously in association with Ohtahara syndrome (Kato et al., 2013). The P561L mutation was not observed in approximately 6500 individuals of European and African American ancestry in the NHLBI Exome Sequencing Project, indicating it is not a common benign variant in these populations. The P561L mutation is a semi-conservative amino acid substitution, which may impact secondary protein structure as these residues differ in some properties. This substitution occurs at a position that is well-conserved across species. In silico analysis predicts this mutation is probably damaging to the protein structure/function. Missense mutations in nearby residues (R560W and D563E) have been reported in association with neonatal epileptic encephalopathy and Ohtahara syndrome, supporting the functional importance of this region of the protein. We interpret P561L as a disease-causing mutation. The variant is found in ,KCNQ2 panel(s).

GeneReviews
No classification provided. Condition: Developmental and epileptic encephalopathy, 7. Review status: no classification provided. Collection method: literature only. Allele origin: germline. Affected: yes. Not counted in ClinVar's aggregate classification.
Comment: EE (epileptic encephalopathy)

Literature cited by the submitters: PubMed 23621294 (cited by 3 submitters); PubMed 26993267 (cited by 3billion); NCBI Bookshelf NBK32534 (cited by GeneReviews).

NM_172107.4(KCNQ2):c.1682C>T (p.Pro561Leu)

Gene: KCNQ2 (potassium voltage-gated channel subfamily Q member 2; minus strand). Cytogenetic location: 20q13.33.
Variant type: single nucleotide variant.
Coding change: c.1682C>T on transcript NM_172107.4 (MANE Select); coding-DNA position 1682, C replaced by T.
Protein change: p.Pro561Leu; replaces proline 561 with leucine.
Molecular consequence: missense variant.
Genome position (GRCh38, 1-based): chr20:63,413,531, G>A on the plus strand (C>T on the coding strand, the complement: KCNQ2 is on the minus strand). VCF-style: chr20-63413531-G-A. GRCh37 (hg19) VCF-style: chr20-62044884-G-A.
Other names: p.P561L:CCC>CTC; c.1628C>T, p.Pro543Leu (NM_001382235.1, NM_172106.3); c.1625C>T, p.Pro542Leu (NM_001439003.1); c.1595C>T, p.Pro532Leu (NM_001439004.1); c.1598C>T, p.Pro533Leu (NM_004518.6); c.1589C>T, p.Pro530Leu (NM_172108.5); short protein forms P561L, P533L, P530L, P543L, P532L, P542L.
Identifiers: ClinVar variation 205916 (VCV000205916.10), dbSNP rs796052652, ClinGen allele CA315474.